The following is an entry in ClinVar:

ClinVar aggregate classification (germline): Uncertain significance (1 of 4 stars; one submission).

Submission:

Labcorp Genetics (formerly Invitae), Labcorp
Classification: Uncertain significance. Last evaluated: 2022-02-03. Review status: criteria provided, single submitter. Criteria: Invitae Variant Classification Sherloc (09022015). Collection method: clinical testing. Allele origin: germline.
Comment: This sequence change replaces histidine, which is basic and polar, with tyrosine, which is neutral and polar, at codon 1509 of the TRPM1 protein (p.His1509Tyr). This variant is not present in population databases (gnomAD no frequency). This variant has not been reported in the literature in individuals affected with TRPM1-related conditions. ClinVar contains an entry for this variant (Variation ID: 1025027). Algorithms developed to predict the effect of missense changes on protein structure and function (SIFT, PolyPhen-2, Align-GVGD) all suggest that this variant is likely to be tolerated. In summary, the available evidence is currently insufficient to determine the role of this variant in disease. Therefore, it has been classified as a Variant of Uncertain Significance.

NM_001252024.2(TRPM1):c.4591C>T (p.His1531Tyr)

Gene: TRPM1 (transient receptor potential cation channel subfamily M member 1; minus strand). Cytogenetic location: 15q13.3.
Variant type: single nucleotide variant.
Coding change: c.4591C>T on transcript NM_001252024.2 (MANE Select); coding-DNA position 4591, C replaced by T.
Protein change: p.His1531Tyr; replaces histidine 1531 with tyrosine.
Molecular consequence: missense variant.
Genome position (GRCh38, 1-based): chr15:31,002,109, G>A on the plus strand (C>T on the coding strand, the complement: TRPM1 is on the minus strand). VCF-style: chr15-31002109-G-A. GRCh37 (hg19) VCF-style: chr15-31294312-G-A.
Other names: c.4642C>T, p.His1548Tyr (NM_001252020.2); c.4525C>T, p.His1509Tyr (NM_002420.6); short protein forms H1509Y, H1531Y, H1548Y.
Identifiers: ClinVar variation 1025027 (VCV001025027.6), dbSNP rs200797987, ClinGen allele CA267496309.